The following is an entry in ClinVar:

NM_000540.3(RYR1):c.7927-9C>T

Gene: RYR1 (ryanodine receptor 1; plus strand). Cytogenetic location: 19q13.2.
Variant type: single nucleotide variant.
Coding change: c.7927-9C>T on transcript NM_000540.3 (MANE Select); 9 bases into the intron before coding-DNA position 7927, C replaced by T.
Molecular consequence: intron variant.
Genome position (GRCh38, 1-based): chr19:38,504,211, C>T. VCF-style: chr19-38504211-C-T. GRCh37 (hg19) VCF-style: chr19-38994851-C-T.
Other names: c.7927-9C>T (NM_001042723.2).
Identifiers: ClinVar variation 2885640 (VCV002885640.4), dbSNP rs1970334859, ClinGen allele CA995720145.

ClinVar aggregate classification (germline): Likely benign. Review status: criteria provided, multiple submitters, no conflicts (2 of 4 stars). 2 submissions from 2 submitters: Likely benign (2). Last evaluated 2025-11-08.

Conditions:
Malignant hyperthermia, susceptibility to, 1 (MHS1). Also called: Anesthesia related hyperthermia; Malignant hyperpyrexia; Fulminating hyperpyrexia; Pharmacogenic myopathy; RYR1-Related Malignant Hyperthermia Susceptibility; Malignant hyperthermia suceptibility 1. Identifiers: Orphanet 423, MedGen C2930980, MONDO:0007783, OMIM 145600.
RYR1-related disorder. Also called: RYR1-related disorders; RYR1-related condition. Identifiers: MedGen CN239331.

Allele frequency attached by ClinVar (database versions not stated): gnomAD 0.00001.
gnomAD v4.1: 1 of 1,609,468 alleles (0.000062%); highest among the groups gnomAD compares: South Asian, 0.0011%; no homozygotes.

Submissions (2):

Labcorp Genetics (formerly Invitae), Labcorp
Classification: Likely benign for RYR1-related disorder. Last evaluated: 2025-11-08. Review status: criteria provided, single submitter. Criteria: Invitae Variant Classification Sherloc (09022015). Collection method: clinical testing. Allele origin: germline.

All of Us Research Program, National Institutes of Health
Classification: Likely benign for Malignant hyperthermia, susceptibility to, 1. Last evaluated: 2023-06-08. Review status: criteria provided, single submitter. Criteria: ACMG Guidelines, 2015. Collection method: clinical testing. Allele origin: germline. Inheritance: Autosomal dominant inheritance. Observed: 1 variant allele, 1 heterozygote.
Comment: This study involves interpretation of variants in research participants for the purpose of population health screening. Participant phenotype was not available at the time of variant classification. Additional details can be found in publication PMID: 35346344, PMCID: PMC8962531